The following is an entry in ClinVar:

ClinVar aggregate classification (germline): Uncertain significance (0 of 4 stars; one submission).

Conditions:
PKHD1-related disorder. Also called: PKHD1-related condition.

gnomAD v4.1: 2 of 1,609,020 alleles (0.00012%); highest among the groups gnomAD compares: African/African-American, 0.0027%; no homozygotes.

Submission:

PreventionGenetics, part of Exact Sciences
Classification: Uncertain significance for PKHD1-related condition. Last evaluated: 2024-04-17. Review status: no assertion criteria provided. Collection method: clinical testing. Allele origin: germline.
Comment: The PKHD1 c.5641T>C variant is predicted to result in the amino acid substitution p.Ser1881Pro. To our knowledge, this variant has not been reported in the literature. This variant is reported in 0.0062% of alleles in individuals of African descent in gnomAD. At this time, the clinical significance of this variant is uncertain due to the absence of conclusive functional and genetic evidence.

NM_138694.4(PKHD1):c.5641T>C (p.Ser1881Pro)

Gene: PKHD1 (PKHD1 ciliary IPT domain containing fibrocystin/polyductin; minus strand). Cytogenetic location: 6p12.2.
Variant type: single nucleotide variant.
Coding change: c.5641T>C on transcript NM_138694.4 (MANE Select); coding-DNA position 5641, T replaced by C.
Protein change: p.Ser1881Pro; replaces serine 1881 with proline.
Molecular consequence: missense variant.
Genome position (GRCh38, 1-based): chr6:52,010,419, A>G on the plus strand (T>C on the coding strand, the complement: PKHD1 is on the minus strand). VCF-style: chr6-52010419-A-G. GRCh37 (hg19) VCF-style: chr6-51875217-A-G.
Other names: c.5641T>C, p.Ser1881Pro (NM_170724.3); short protein forms S1881P.
Identifiers: ClinVar variation 3355979 (VCV003355979.1).